The following is an entry in ClinVar:

NM_182925.5(FLT4):c.2542+12A>G

Genes: FLT4 (fms related receptor tyrosine kinase 4; minus strand), LOC126807632 (CDK7 strongly-dependent group 2 enhancer GRCh37_chr5:180046831-180048030; plus strand). Cytogenetic location: 5q35.3.
Variant type: single nucleotide variant.
Coding change: c.2542+12A>G on transcript NM_182925.5 (MANE Select); 12 bases into the intron after coding-DNA position 2542, A replaced by G.
Molecular consequence: intron variant.
Genome position (GRCh38, 1-based): chr5:180,620,161, T>C on the plus strand (A>G on the coding strand, the complement: FLT4 is on the minus strand). VCF-style: chr5-180620161-T-C. GRCh37 (hg19) VCF-style: chr5-180047161-T-C.
Other names: KM484810; c.2542+12A>G (NM_001354989.2, NM_002020.5).
Identifiers: ClinVar variation 204341 (VCV000204341.3), dbSNP rs751737827, ClinGen allele CA251274.

ClinVar aggregate classification (germline): Uncertain significance (0 of 4 stars; one submission).

Conditions:
Carcinoma of colon (CRC). Also called: Colonic carcinoma; Colon carcinoma. Identifiers: MedGen C0699790, MONDO:0002032.

Submission:

Immunobiology Lab; University of Kashmir
Classification: Uncertain significance for Carcinoma of colon. Last evaluated: 2015-01-24. Review status: no assertion criteria provided. Collection method: case-control. Allele origin: somatic. Affected: yes. Study: Mutational Hotspot profiling of Tyrosine Kinase domain of VEGF receptors in Human colorectal tumors.
Comment: The variation(s) were confirmed by double pass sequencing of PCR products amplified from genomic DNA of colonic lesions fron colorectal patients